The following is an entry in ClinVar:

NM_000016.6(ACADM):c.600-8T>G

Gene: ACADM (acyl-CoA dehydrogenase medium chain; plus strand). Cytogenetic location: 1p31.1.
Variant type: single nucleotide variant.
Coding change: c.600-8T>G on transcript NM_000016.6 (MANE Select); 8 bases into the intron before coding-DNA position 600, T replaced by G.
Molecular consequence: intron variant.
Genome position (GRCh38, 1-based): chr1:75,745,798, T>G. VCF-style: chr1-75745798-T-G. GRCh37 (hg19) VCF-style: chr1-76211483-T-G.
Other names: c.612-8T>G (NM_001127328.3); c.699-8T>G (NM_001286043.2); c.492-8T>G (NM_001286042.2); c.33-8T>G (NM_001286044.2).
Identifiers: ClinVar variation 4725418 (VCV004725418.1).

ClinVar aggregate classification (germline): Uncertain significance (1 of 4 stars; one submission).

Conditions:
Medium-chain acyl-coenzyme A dehydrogenase deficiency (ACADMD). Also called: ACADM DEFICIENCY; MCADD; CARNITINE DEFICIENCY SECONDARY TO MEDIUM-CHAIN ACYL-CoA DEHYDROGENASE DEFICIENCY; MCADH DEFICIENCY; MCAD Deficiency; Medium chain acyl-CoA dehydrogenase deficiency. Identifiers: Orphanet 42, MedGen C0220710, MONDO:0008721, OMIM 201450.

Submission:

Labcorp Genetics (formerly Invitae), Labcorp
Classification: Uncertain significance for Medium-chain acyl-coenzyme A dehydrogenase deficiency. Last evaluated: 2025-08-14. Review status: criteria provided, single submitter. Criteria: Invitae Variant Classification Sherloc (09022015). Collection method: clinical testing. Allele origin: germline.
Comment: This sequence change falls in intron 7 of the ACADM gene. It does not directly change the encoded amino acid sequence of the ACADM protein. This variant is not present in population databases (gnomAD no frequency). This variant has not been reported in the literature in individuals affected with ACADM-related conditions. Algorithms developed to predict the effect of sequence changes on RNA splicing suggest that this variant may disrupt the consensus splice site. In summary, the available evidence is currently insufficient to determine the role of this variant in disease. Therefore, it has been classified as a Variant of Uncertain Significance.